The following is an entry in ClinVar:

NM_017654.4(SAMD9):c.739A>G (p.Ile247Val)

Gene: SAMD9 (sterile alpha motif domain containing 9; minus strand). Cytogenetic location: 7q21.2.
Variant type: single nucleotide variant.
Coding change: c.739A>G on transcript NM_017654.4 (MANE Select); coding-DNA position 739, A replaced by G.
Protein change: p.Ile247Val; replaces isoleucine 247 with valine.
Molecular consequence: missense variant.
Genome position (GRCh38, 1-based): chr7:93,105,359, T>C on the plus strand (A>G on the coding strand, the complement: SAMD9 is on the minus strand). VCF-style: chr7-93105359-T-C. GRCh37 (hg19) VCF-style: chr7-92734672-T-C.
Other names: c.739A>G, p.Ile247Val (NM_001193307.2); c.739A>G (NM_017654.3); short protein forms I247V.
Identifiers: ClinVar variation 1360523 (VCV001360523.8), dbSNP rs1167789173, ClinGen allele CA368203984.

ClinVar aggregate classification (germline): Uncertain significance. Review status: criteria provided, multiple submitters, no conflicts (2 of 4 stars). 3 submissions from 3 submitters: Uncertain significance (2). 1 of the submissions does not count toward it. Last evaluated 2024-11-21.

Conditions:
Inborn genetic diseases. Identifiers: MedGen C0950123, MeSH D030342.

Allele frequency attached by ClinVar (database versions not stated): gnomAD 0.00001; gnomAD exomes 0.00001; TOPMed 0.00001.

Submissions (3):

Ambry Genetics
Classification: Uncertain significance for Inborn genetic diseases. Last evaluated: 2024-11-21. Review status: criteria provided, single submitter. Criteria: Ambry Variant Classification Scheme 2023. Collection method: clinical testing. Allele origin: germline.
Comment: The p.I247V variant (also known as c.739A>G), located in coding exon 1 of the SAMD9 gene, results from an A to G substitution at nucleotide position 739. The isoleucine at codon 247 is replaced by valine, an amino acid with highly similar properties. This amino acid position is conserved. In addition, this alteration is predicted to be tolerated by in silico analysis. Based on the available evidence, the clinical significance of this variant remains unclear.

Labcorp Genetics (formerly Invitae), Labcorp
Classification: Uncertain significance. Last evaluated: 2023-09-24. Review status: criteria provided, single submitter. Criteria: Invitae Variant Classification Sherloc (09022015). Collection method: clinical testing. Allele origin: germline.
Comment: In summary, the available evidence is currently insufficient to determine the role of this variant in disease. Therefore, it has been classified as a Variant of Uncertain Significance. Advanced modeling of protein sequence and biophysical properties (such as structural, functional, and spatial information, amino acid conservation, physicochemical variation, residue mobility, and thermodynamic stability) has been performed at Invitae for this missense variant, however the output from this modeling did not meet the statistical confidence thresholds required to predict the impact of this variant on SAMD9 protein function. ClinVar contains an entry for this variant (Variation ID: 1360523). This variant has not been reported in the literature in individuals affected with SAMD9-related conditions. This variant is present in population databases (no rsID available, gnomAD 0.002%). This sequence change replaces isoleucine, which is neutral and non-polar, with valine, which is neutral and non-polar, at codon 247 of the SAMD9 protein (p.Ile247Val).

Genetic Services Laboratory, University of Chicago
Classification: Uncertain significance. Last evaluated: 2022-11-11. Review status: no assertion criteria provided. Collection method: clinical testing. Allele origin: germline. Affected: no. Not counted in ClinVar's aggregate classification.
Comment: DNA sequence analysis of the SAMD9 gene demonstrated a sequence change, c.739A>G, in exon 3 that results in an amino acid change, p.Ile247Val. This sequence change does not appear to have been previously described in individuals with SAMD9-related disorders. This sequence change has been described in the gnomAD database in two individuals which corresponds to a population frequency of 0.0018 % (dbSNP rs1167789173). The p.Ile247Val change affects a highly conserved amino acid residue located in a domain of the SAMD9 protein that is not known to be functional. In-silico pathogenicity prediction tools (SIFT, PolyPhen2, Align GVGD, REVEL) provide contradictory results for the p.Ile247Val substitution. Due to insufficient evidences and the lack of functional studies, the clinical significance of the p.Ile247Val change remains unknown at this time.